The following is an entry in ClinVar:

ClinVar aggregate classification (germline): Uncertain significance (1 of 4 stars; one submission).

Conditions:
X-linked lymphoproliferative disease due to XIAP deficiency. Also called: XIAP DEFICIENCY; XIAP-Related Lymphoproliferative Disease, X-Linked. Identifiers: Orphanet 2442, Orphanet 538934, MedGen C1845076, MONDO:0010385, OMIM 300635.

Submission:

Daryl Scott Lab, Baylor College of Medicine
Classification: Uncertain significance for X-linked lymphoproliferative disease due to XIAP deficiency. Review status: criteria provided, single submitter. Criteria: ACMG Guidelines, 2015. Collection method: clinical testing. Allele origin: maternal. Affected: yes. Observed: 1 heterozygote.
Comment: PM2

NM_001167.4(XIAP):c.754A>G (p.Asn252Asp)

Gene: XIAP (X-linked inhibitor of apoptosis; plus strand). Cytogenetic location: Xq25.
Variant type: single nucleotide variant.
Coding change: c.754A>G on transcript NM_001167.4 (MANE Select); coding-DNA position 754, A replaced by G.
Protein change: p.Asn252Asp; replaces asparagine 252 with aspartic acid.
Molecular consequence: missense variant.
Genome position (GRCh38, 1-based): chrX:123,886,416, A>G. VCF-style: chrX-123886416-A-G. GRCh37 (hg19) VCF-style: chrX-123020266-A-G.
Other names: c.754A>G, p.Asn252Asp (NM_001204401.2, NM_001378590.1, NM_001378591.1 and 1 more transcripts); short protein forms N252D.
Identifiers: ClinVar variation 4279655 (VCV004279655.1).